The following is an entry in ClinVar:

ClinVar aggregate classification (germline): Pathogenic (3 of 4 stars; one submission).

Conditions:
Breast-ovarian cancer, familial, susceptibility to, 2 (BROVCA2). Also called: BRCA2 Hereditary Breast and Ovarian Cancer. Identifiers: Orphanet 145, MedGen C2675520, MONDO:0012933, OMIM 612555. Disease mechanism: loss of function.

Submission:

Evidence-based Network for the Interpretation of Germline Mutant Alleles (ENIGMA)
Classification: Pathogenic for Breast-ovarian cancer, familial, susceptibility to, 2. Last evaluated: 2017-12-15. Review status: reviewed by expert panel. Criteria: ENIGMA BRCA1/2 Classification Criteria (2017-06-29). Collection method: curation. Allele origin: germline. Study: ENIGMA.
Comment: Variant allele predicted to encode a truncated non-functional protein.

NM_000059.4(BRCA2):c.4096_4097insCATC (p.Leu1366fs)

Gene: BRCA2 (BRCA2 DNA repair associated; plus strand). Cytogenetic location: 13q13.1.
Variant type: Insertion.
Coding change: c.4096_4097insCATC on transcript NM_000059.4 (MANE Select); coding-DNA positions 4096 to 4097, CATC inserted.
Protein change: p.Leu1366fs; shifts the reading frame from leucine 1366.
Molecular consequence: frameshift variant.
Genome position: GRCh38 VCF-style: chr13-32338449-G-GTCCA. GRCh37 (hg19) VCF-style: chr13-32912586-G-GTCCA.
Other names: short protein forms L1366fs.
Identifiers: ClinVar variation 548367 (VCV000548367.1), dbSNP rs1555283548, ClinGen allele CA658823566.
Genomic context (GRCh38, chr13:32,338,449, plus strand): 5'-ATACTGTTTGTATTCATAAAGATGAAACGGACTTGCTATTTACTGATCAGCACAACATAT[G>GTCCA]TCTTAAATTATCTGGCCAGTTTATGAAGGAGGGAAACACTCAGATTAAAGAAGATTTGTC-3'